The following is an entry in ClinVar:

ClinVar aggregate classification (germline): Pathogenic. Review status: criteria provided, multiple submitters, no conflicts (2 of 4 stars). 3 submissions from 3 submitters: Pathogenic (2). 1 of the submissions does not count toward it. Last evaluated 2022-01-03.

Conditions:
Charcot-Marie-Tooth disease type 2A2. Also called: HEREDITARY MOTOR AND SENSORY NEUROPATHY IIA2; HMSN IIA2; CHARCOT-MARIE-TOOTH DISEASE, AXONAL, TYPE 2A2; CHARCOT-MARIE-TOOTH DISEASE, NEURONAL, TYPE 2A2; Charcot-Marie-Tooth Neuropathy Type 2A2; CHARCOT-MARIE-TOOTH DISEASE, AXONAL, AUTOSOMAL DOMINANT, TYPE 2A2A. Identifiers: Orphanet 99947, MedGen C4721887, MONDO:0012231, OMIM 609260.
Charcot-Marie-Tooth disease. Also called: Charcot-Marie-Tooth Neuropathy; Charcot-Marie-Tooth Hereditary Neuropathy. Identifiers: Orphanet 166, MedGen C0007959, MONDO:0015626.
Charcot-Marie-Tooth disease type 2. Also called: Charcot-Marie-Tooth type 2. Identifiers: Orphanet 64746, MedGen C0270914, MONDO:0018993.

Submissions (3):

3billion
Classification: Pathogenic for Charcot-Marie-Tooth disease type 2A2. Last evaluated: 2022-01-03. Review status: criteria provided, single submitter. Criteria: ACMG Guidelines, 2015. Collection method: clinical testing. Allele origin: germline. Affected: yes. Observed: 1 heterozygote.
Comment: The variant has been observed in multiple (>3) similarly affected unrelated individuals(PMID: 22492563, 20008656, 21508331, PS4_S). A different missense change at the same codon has been reported as pathogenic/likely pathogenic with strong evidence (ClinVar ID: VCV000002278,VCV000245944, PMID:16437557,17444508, PM5_M). In silico tool predictions suggest damaging effect of the variant on gene or gene product (REVEL: 0.918, 3CNET: 0.994, PP3_P). A missense variant is a common mechanism associated with Charcot-Marie-Tooth disease (PP2_P). It is not observed in the gnomAD v2.1.1 dataset (PM2_M). Therefore, this variant is classified as pathogenic according to the recommendation of ACMG/AMP guideline.

Labcorp Genetics (formerly Invitae), Labcorp
Classification: Pathogenic for Charcot-Marie-Tooth disease type 2. Last evaluated: 2019-03-30. Review status: criteria provided, single submitter. Criteria: Invitae Variant Classification Sherloc (09022015). Collection method: clinical testing. Allele origin: germline.
Comment: This variant is not present in population databases (ExAC no frequency). This sequence change replaces arginine with proline at codon 364 of the MFN2 protein (p.Arg364Pro). The arginine residue is highly conserved and there is a moderate physicochemical difference between arginine and proline. For these reasons, this variant has been classified as Pathogenic. A different missense substitution at this codon (p.Arg364Trp) has been determined to be pathogenic (PMID: 16437557, 16835246, 22492563, 21707411, 22206013, 21508331, 25802885, 28063088, 27549087, 25448007). This suggests that the arginine residue is critical for MFN2 protein function and that other missense substitutions at this position may also be pathogenic. Algorithms developed to predict the effect of missense changes on protein structure and function do not agree on the potential impact of this missense change (SIFT: "Deleterious"; PolyPhen-2: "Probably Damaging"; Align-GVGD: "Class C0"). This variant has been reported to segregate with Charcot-Marie-Tooth disease, type 2 and optic atrophy in a family (PMID: 24957169) and has been reported in individuals affected with Charcot-Marie-Tooth disease, type 2 (PMID: 22492563, 20008656, 21508331).

Inherited Neuropathy Consortium
Classification: Uncertain significance for Charcot-Marie-Tooth disease. Review status: no assertion criteria provided. Collection method: literature only. Allele origin: germline. Affected: yes. Not counted in ClinVar's aggregate classification.

Literature cited by the submitters: PubMed 21508331 (cited by 3billion and Labcorp Genetics (formerly Invitae), Labcorp); PubMed 20008656 (cited by 3 submitters); PubMed 16437557 (cited by 3billion and Labcorp Genetics (formerly Invitae), Labcorp); PubMed 22492563 (cited by 3billion and Labcorp Genetics (formerly Invitae), Labcorp); PubMed 16835246 (cited by Labcorp Genetics (formerly Invitae), Labcorp); PubMed 21707411 (cited by Labcorp Genetics (formerly Invitae), Labcorp); PubMed 22206013 (cited by Labcorp Genetics (formerly Invitae), Labcorp); PubMed 25802885 (cited by Labcorp Genetics (formerly Invitae), Labcorp); PubMed 28063088 (cited by Labcorp Genetics (formerly Invitae), Labcorp); PubMed 27549087 (cited by Labcorp Genetics (formerly Invitae), Labcorp); PubMed 25448007 (cited by Labcorp Genetics (formerly Invitae), Labcorp); PubMed 24957169 (cited by Labcorp Genetics (formerly Invitae), Labcorp).

NM_014874.4(MFN2):c.1091G>C (p.Arg364Pro)

Gene: MFN2 (mitofusin 2; plus strand). Cytogenetic location: 1p36.22.
Variant type: single nucleotide variant.
Coding change: c.1091G>C on transcript NM_014874.4 (MANE Select); coding-DNA position 1091, G replaced by C.
Protein change: p.Arg364Pro; replaces arginine 364 with proline.
Molecular consequence: missense variant.
Genome position (GRCh38, 1-based): chr1:12,002,034, G>C. VCF-style: chr1-12002034-G-C. GRCh37 (hg19) VCF-style: chr1-12062091-G-C.
Other names: c.1091G>C, p.Arg364Pro (NM_001127660.2); short protein forms R364P.
Identifiers: ClinVar variation 572157 (VCV000572157.13), dbSNP rs879254011, ClinGen allele CA338442904.